The following is an entry in ClinVar:

NM_001195248.2(APTX):c.4A>T (p.Met2Leu)

Gene: APTX (aprataxin; minus strand). Cytogenetic location: 9p21.1.
Variant type: single nucleotide variant.
Coding change: c.4A>T on transcript NM_001195248.2 (MANE Select); coding-DNA position 4, A replaced by T.
Protein change: p.Met2Leu; replaces methionine 2 with leucine.
Molecular consequence: missense variant. On other transcripts: 5 prime UTR variant (8), non-coding transcript variant (13).
Genome position (GRCh38, 1-based): chr9:32,989,888, T>A on the plus strand (A>T on the coding strand, the complement: APTX is on the minus strand). VCF-style: chr9-32989888-T-A. GRCh37 (hg19) VCF-style: chr9-32989886-T-A.
Other names: c.4A>T, p.Met2Leu (NM_001195249.2, NM_001195250.2, NM_001195251.2 and 11 more transcripts); c.-256A>T (NM_001369002.1, NM_001369003.1, NM_001369005.1 and 4 more transcripts); c.-214A>T (NM_001369004.1); short protein forms M2L.
Identifiers: ClinVar variation 430495 (VCV000430495.2), dbSNP rs1131691993, ClinGen allele CA373181413.

ClinVar aggregate classification (germline): Uncertain significance (1 of 4 stars; one submission).

Submission:

GeneDx
Classification: Uncertain significance. Last evaluated: 2017-05-29. Review status: criteria provided, single submitter. Criteria: GeneDx Variant Classification (06012015). Collection method: clinical testing. Allele origin: germline. Affected: yes.
Comment: The M2L variant in the APTX gene has not been reported previously as a pathogenic variant, nor as a benign variant, to our knowledge. The M2L variant is not observed in large population cohorts (Lek et al., 2016; 1000 Genomes Consortium et al., 2015; Exome Variant Server). The M2L variant is a conservative amino acid substitution, which is not likely to impact secondary protein structure as these residues share similar properties. This substitution occurs at a position that is not conserved. In silico analysis is inconsistent in its predictions as to whether or not the variant is damaging to the protein structure/function. We interpret M2L as a variant of uncertain significance.